The following is an entry in ClinVar:

ClinVar aggregate classification (germline): Pathogenic/Likely pathogenic. Review status: criteria provided, multiple submitters, no conflicts (2 of 4 stars). 5 submissions from 5 submitters: Pathogenic (3); Likely pathogenic (2). Last evaluated 2024-12-09.

Conditions:
Familial cancer of breast. Also called: Hereditary breast cancer; hereditary breast carcinoma; BREAST CANCER, FAMILIAL. Identifiers: Orphanet 227535, MedGen C0346153, MONDO:0016419, OMIM 114480. Disease mechanism: loss of function.
Fanconi anemia complementation group J. Also called: BRIP1-Related Fanconi Anemia. Identifiers: Orphanet 84, MedGen C1836860, MONDO:0012187, OMIM 609054.
Hereditary cancer-predisposing syndrome. Also called: Hereditary Cancer Syndrome; Neoplastic Syndromes, Hereditary; Hereditary neoplastic syndrome; Tumor predisposition. Identifiers: Orphanet 140162, MedGen C0027672, MeSH D009386, MONDO:0015356.

Allele frequency attached by ClinVar (database versions not stated): TOPMed below 0.00001; gnomAD 0.00001.

Submissions (5):

Labcorp Genetics (formerly Invitae), Labcorp
Classification: Pathogenic for Familial cancer of breast; Fanconi anemia complementation group J. Last evaluated: 2024-12-09. Review status: criteria provided, single submitter. Criteria: Invitae Variant Classification Sherloc (09022015). Collection method: clinical testing. Allele origin: germline.
Comment: This sequence change creates a premature translational stop signal (p.Asn397*) in the BRIP1 gene. It is expected to result in an absent or disrupted protein product. Loss-of-function variants in BRIP1 are known to be pathogenic (PMID: 16116423, 17033622, 21964575). This variant is not present in population databases (gnomAD no frequency). This variant has not been reported in the literature in individuals affected with BRIP1-related conditions. ClinVar contains an entry for this variant (Variation ID: 818538). For these reasons, this variant has been classified as Pathogenic.

Myriad Genetics, Inc.
Classification: Pathogenic for Familial cancer of breast. Last evaluated: 2023-06-01. Review status: criteria provided, single submitter. Criteria: Myriad Autosomal Dominant, Autosomal Recessive and X-Linked Classification Criteria (2023). Collection method: clinical testing. Allele origin: unknown.
Comment: This variant is considered pathogenic. This variant creates a termination codon and is predicted to result in premature protein truncation.

Baylor Genetics
Classification: Likely pathogenic for Familial cancer of breast. Last evaluated: 2023-01-04. Review status: criteria provided, single submitter. Criteria: ACMG Guidelines, 2015. Collection method: clinical testing. Allele origin: unknown.

Ambry Genetics
Classification: Pathogenic for Hereditary cancer-predisposing syndrome. Last evaluated: 2022-03-21. Review status: criteria provided, single submitter. Criteria: Ambry Variant Classification Scheme 2023. Collection method: clinical testing. Allele origin: germline.
Comment: The c.1188dupT pathogenic mutation, located in coding exon 8 of the BRIP1 gene, results from a duplication of T at nucleotide position 1188, causing a translational frameshift with a predicted alternate stop codon (p.N397*). This variant is considered to be rare based on population cohorts in the Genome Aggregation Database (gnomAD). This alteration is expected to result in loss of function by premature protein truncation or nonsense-mediated mRNA decay. As such, this alteration is interpreted as a disease-causing mutation.

AiLife Diagnostics
Classification: Likely pathogenic. Last evaluated: 2022-03-08. Review status: criteria provided, single submitter. Criteria: ACMG Guidelines, 2015. Collection method: clinical testing. Allele origin: germline. Affected: yes. Observed: 1 variant allele.

Literature cited by the submitters: PubMed 16116423 (cited by Labcorp Genetics (formerly Invitae), Labcorp); PubMed 17033622 (cited by Labcorp Genetics (formerly Invitae), Labcorp); PubMed 21964575 (cited by Labcorp Genetics (formerly Invitae), Labcorp).

NM_032043.3(BRIP1):c.1188dup (p.Asn397Ter)

Gene: BRIP1 (BRCA1 interacting DNA helicase 1; minus strand). Cytogenetic location: 17q23.2.
Variant type: Duplication.
Coding change: c.1188dup on transcript NM_032043.3 (MANE Select); coding-DNA position 1188, one base duplicated (T; older notation c.1188dupT).
Protein change: p.Asn397Ter; replaces asparagine 397 with a stop codon.
Molecular consequence: nonsense.
Genome position (GRCh38, 1-based): chr17:61,799,252, A duplicated on the plus strand (T on the coding strand, the reverse complement: BRIP1 is on the minus strand). VCF-style (leftmost placement, unchanged base first): chr17-61799251-T-TA. GRCh37 (hg19) VCF-style: chr17-59876612-T-TA.
Other names: short protein forms N397*.
Identifiers: ClinVar variation 818538 (VCV000818538.10), dbSNP rs1603342313, ClinGen allele CA915950712.
Genomic context (GRCh38, chr17:61,799,251, plus strand): 5'-ACCGAAGCTGAACTTCTGTTACACTGTAACTTGCTGATTCCCGAGCACAGTCCTCGATGT[T>TA]ATGAGCTTCATCTAAAATGACAACCTGTTCTTTCAGATTTAAATCCATCTATAAGATAAA-3'